The following is an entry in ClinVar:

NM_001232.4(CASQ2):c.420+220T>C

Gene: CASQ2 (calsequestrin 2; minus strand). Cytogenetic location: 1p13.1.
Variant type: single nucleotide variant.
Coding change: c.420+220T>C on transcript NM_001232.4 (MANE Select); 220 bases into the intron after coding-DNA position 420, T replaced by C.
Molecular consequence: intron variant.
Genome position (GRCh38, 1-based): chr1:115,740,508, A>G on the plus strand (T>C on the coding strand, the complement: CASQ2 is on the minus strand). VCF-style: chr1-115740508-A-G. GRCh37 (hg19) VCF-style: chr1-116283129-A-G.
Identifiers: ClinVar variation 675440 (VCV000675440.1), dbSNP rs28730717, ClinGen allele CA29605957.

ClinVar aggregate classification (germline): Benign (1 of 4 stars; one submission).

Allele frequency attached by ClinVar (database versions not stated): gnomAD 0.02964 and 0.03173; 1000 Genomes Project 0.03275; 1000 Genomes Project 30x 0.03342; TOPMed 0.03409.
gnomAD v4.1: 4,475 of 152,300 alleles (2.9%); highest among the groups gnomAD compares: African/African-American, 10%; 214 homozygotes.

Submission:

GeneDx
Classification: Benign. Last evaluated: 2018-06-14. Review status: criteria provided, single submitter. Criteria: GeneDx Variant Classification (06012015). Collection method: clinical testing. Allele origin: germline. Affected: yes.
Comment: This variant is considered likely benign or benign based on one or more of the following criteria: it is a conservative change, it occurs at a poorly conserved position in the protein, it is predicted to be benign by multiple in silico algorithms, and/or has population frequency not consistent with disease.